The following is an entry in ClinVar:

ClinVar aggregate classification (germline): Uncertain significance (1 of 4 stars; one submission).

Conditions:
SPTBN1-related disorder. Also called: SPTBN1-related condition.

gnomAD v4.1: 1 of 1,613,580 alleles (0.000062%); highest among the groups gnomAD compares: South Asian, 0.0011%; no homozygotes.

Submission:

PreventionGenetics, part of Exact Sciences
Classification: Uncertain significance for SPTBN1-related condition. Last evaluated: 2024-11-01. Review status: criteria provided, single submitter. Criteria: ACMG Guidelines, 2015. Collection method: clinical testing. Allele origin: germline.
Comment: The SPTBN1 c.6006G>T variant is predicted to result in the amino acid substitution p.Met2002Ile. To our knowledge, this variant has not been reported in the literature or in a large population database (gnomAD), indicating this variant is rare. At this time, the clinical significance of this variant is uncertain due to the absence of conclusive functional and genetic evidence.

NM_003128.3(SPTBN1):c.6006G>T (p.Met2002Ile)

Gene: SPTBN1 (spectrin beta, non-erythrocytic 1; plus strand). Cytogenetic location: 2p16.2.
Variant type: single nucleotide variant.
Coding change: c.6006G>T on transcript NM_003128.3 (MANE Select); coding-DNA position 6006, G replaced by T.
Protein change: p.Met2002Ile; replaces methionine 2002 with isoleucine.
Molecular consequence: missense variant.
Genome position (GRCh38, 1-based): chr2:54,655,958, G>T. VCF-style: chr2-54655958-G-T. GRCh37 (hg19) VCF-style: chr2-54883095-G-T.
Other names: c.5967G>T, p.Met1989Ile (NM_178313.3); short protein forms M1989I, M2002I.
Identifiers: ClinVar variation 5000419 (VCV005000419.1).